The following is an entry in ClinVar:

NM_000540.3(RYR1):c.6821A>G (p.Asp2274Gly)

Gene: RYR1 (ryanodine receptor 1; plus strand). Cytogenetic location: 19q13.2.
Variant type: single nucleotide variant.
Coding change: c.6821A>G on transcript NM_000540.3 (MANE Select); coding-DNA position 6821, A replaced by G.
Protein change: p.Asp2274Gly; replaces aspartic acid 2274 with glycine.
Molecular consequence: missense variant.
Genome position (GRCh38, 1-based): chr19:38,496,884, A>G. VCF-style: chr19-38496884-A-G. GRCh37 (hg19) VCF-style: chr19-38987524-A-G.
Other names: c.6821A>G, p.Asp2274Gly (NM_001042723.2); short protein forms D2274G.
Identifiers: ClinVar variation 423558 (VCV000423558.4), dbSNP rs1064796493, ClinGen allele CA16620837.
Genomic context (GRCh38, chr19:38,496,884, plus strand): 5'-GGAGTGAGATGTTCTCCCCACCTCTCGCCCCTGCAGGCATGCAGGGCTCCACGCCCCTGG[A>G]CGTGGCTGCTGCCTCCGTCATTGACAACAATGAGCTGGCCTTGGCATTGCAGGAGCAGGA-3'
Protein context (NP_000531.2, residues 2264-2284): GLGMQGSTPL[Asp2274Gly]VAAASVIDNN

ClinVar aggregate classification (germline): Uncertain significance. Review status: criteria provided, multiple submitters, no conflicts (2 of 4 stars). 3 submissions from 3 submitters: Uncertain significance (3). Last evaluated 2025-08-26.

Conditions:
Malignant hyperthermia, susceptibility to, 1 (MHS1). Also called: RYR1-Related Malignant Hyperthermia Susceptibility; Malignant hyperthermia suceptibility 1; Anesthesia related hyperthermia; Malignant hyperpyrexia; Fulminating hyperpyrexia; Pharmacogenic myopathy. Identifiers: Orphanet 423, MedGen C2930980, MONDO:0007783, OMIM 145600.

Submissions (3):

Color Diagnostics, LLC DBA Color Health
Classification: Uncertain significance for Malignant hyperthermia, susceptibility to, 1. Last evaluated: 2025-08-26. Review status: criteria provided, single submitter. Criteria: ACMG Guidelines, 2015. Collection method: clinical testing. Allele origin: germline.
Comment: This missense variant replaces aspartic acid with glycine at codon 2274 of the RYR1 protein. Computational prediction suggests that this variant may have deleterious impact on protein structure and function. To our knowledge, functional studies have not been reported for this variant. This variant has not been reported in individuals affected with RYR1-related disorders in the literature. This variant has not been identified in the general population by the Genome Aggregation Database (gnomAD). The available evidence is insufficient to determine the role of this variant in disease conclusively. Therefore, this variant is classified as a Variant of Uncertain Significance.

All of Us Research Program, National Institutes of Health
Classification: Uncertain significance for Malignant hyperthermia, susceptibility to, 1. Last evaluated: 2023-04-03. Review status: criteria provided, single submitter. Criteria: ACMG Guidelines, 2015. Collection method: clinical testing. Allele origin: germline. Inheritance: Autosomal dominant inheritance. Observed: 1 variant allele, 1 heterozygote.
Comment: This missense variant replaces aspartic acid with glycine at codon 2274 of the RYR1 protein. Computational prediction suggests that this variant may have deleterious impact on protein structure and function (internally defined REVEL score threshold >= 0.7, PMID: 27666373). To our knowledge, functional studies have not been reported for this variant. This variant has not been reported in individuals affected with RYR1-related disorders in the literature. This variant has not been identified in the general population by the Genome Aggregation Database (gnomAD). The available evidence is insufficient to determine the role of this variant in disease conclusively. Therefore, this variant is classified as a Variant of Uncertain Significance.

This study involves interpretation of variants in research participants for the purpose of population health screening. Participant phenotype was not available at the time of variant classification. Additional details can be found in publication PMID: 35346344, PMCID: PMC8962531

GeneDx
Classification: Uncertain significance. Last evaluated: 2017-02-21. Review status: criteria provided, single submitter. Criteria: GeneDx Variant Classification (06012015). Collection method: clinical testing. Allele origin: germline. Affected: yes.
Comment: The D2274G variant in the RYR1 gene has not been reported previously as a pathogenic variant, nor as a benign variant, to our knowledge. The D2274G variant is not observed in large population cohorts (Lek et al., 2016; 1000 Genomes Consortium et al., 2015; Exome Variant Server). The D2274G variant is a non-conservative amino acid substitution, which is likely to impact secondary protein structure as these residues differ in polarity, charge, size and/or other properties. This substitution occurs at a position that is conserved across species. In silico analysis predicts this variant is probably damaging to the protein structure/function. A different missense variant in the same residue (D2274Y) was identified in the heterozygous state in a single individual with multiminicore disease, but the asymptomatic parents were not tested for the variant (Snoek et al., 2015). We interpret D2274G as a variant of uncertain significance.